The following is an entry in ClinVar:

ClinVar aggregate classification (germline): Uncertain significance. Review status: criteria provided, multiple submitters, no conflicts (2 of 4 stars). 3 submissions from 3 submitters: Uncertain significance (3). Last evaluated 2025-04-27.

Conditions:
BAP1-related tumor predisposition syndrome (TPDS1). Also called: COMMON Syndrome; TUMOR PREDISPOSITION SYNDROME 1; Tumor susceptibility linked to germline BAP1 mutations; BAP1 tumor predisposition syndrome. Identifiers: Orphanet 289539, MedGen C3280492, MONDO:0013692, OMIM 614327.
Hereditary cancer-predisposing syndrome. Also called: Neoplastic Syndromes, Hereditary; Hereditary neoplastic syndrome; Tumor predisposition; Hereditary Cancer Syndrome. Identifiers: Orphanet 140162, MedGen C0027672, MeSH D009386, MONDO:0015356.

Allele frequency attached by ClinVar (database versions not stated): gnomAD exomes below 0.00001.

Submissions (3):

Color Diagnostics, LLC DBA Color Health
Classification: Uncertain significance for Hereditary cancer-predisposing syndrome. Last evaluated: 2025-04-27. Review status: criteria provided, single submitter. Criteria: ACMG Guidelines, 2015. Collection method: clinical testing. Allele origin: germline.
Comment: This missense variant replaces aspartic acid with glycine at codon 535 of the BAP1 protein. Computational prediction suggests that this variant may not impact protein structure and function. To our knowledge, functional studies have not been reported for this variant. This variant has not been reported in individuals affected with BAP1-related disorders in the literature. This variant has been identified in 1/251184 chromosomes in the general population by the Genome Aggregation Database (gnomAD). The available evidence is insufficient to determine the role of this variant in disease conclusively. Therefore, this variant is classified as a Variant of Uncertain Significance.

Baylor Genetics
Classification: Uncertain significance for BAP1-related tumor predisposition syndrome. Last evaluated: 2023-10-09. Review status: criteria provided, single submitter. Criteria: ACMG Guidelines, 2015. Collection method: clinical testing. Allele origin: unknown.

Ambry Genetics
Classification: Uncertain significance for Hereditary cancer-predisposing syndrome. Last evaluated: 2023-10-05. Review status: criteria provided, single submitter. Criteria: Ambry Variant Classification Scheme 2023. Collection method: clinical testing. Allele origin: germline.
Comment: The p.D535G variant (also known as c.1604A>G), located in coding exon 13 of the BAP1 gene, results from an A to G substitution at nucleotide position 1604. The aspartic acid at codon 535 is replaced by glycine, an amino acid with similar properties. This amino acid position is conserved. In addition, this alteration is predicted to be tolerated by in silico analysis. Since supporting evidence is limited at this time, the clinical significance of this alteration remains unclear.

NM_004656.4(BAP1):c.1604A>G (p.Asp535Gly)

Gene: BAP1 (BRCA1 associated deubiquitinase 1; minus strand). Cytogenetic location: 3p21.1.
Variant type: single nucleotide variant.
Coding change: c.1604A>G on transcript NM_004656.4 (MANE Select); coding-DNA position 1604, A replaced by G.
Protein change: p.Asp535Gly; replaces aspartic acid 535 with glycine.
Molecular consequence: missense variant.
Genome position (GRCh38, 1-based): chr3:52,403,541, T>C on the plus strand (A>G on the coding strand, the complement: BAP1 is on the minus strand). VCF-style: chr3-52403541-T-C. GRCh37 (hg19) VCF-style: chr3-52437557-T-C.
Other names: c.1550A>G, p.Asp517Gly (NM_001410772.1); short protein forms D517G, D535G.
Identifiers: ClinVar variation 2679899 (VCV002679899.3), dbSNP rs1340739095, ClinGen allele CA353100385.